The following is an entry in ClinVar:

ClinVar aggregate classification (germline): Uncertain significance. Review status: criteria provided, multiple submitters, no conflicts (2 of 4 stars). 4 submissions from 4 submitters: Uncertain significance (4). Last evaluated 2026-05-27.

Conditions:
Autosomal dominant nonsyndromic hearing loss 6 (LFSNHL). Also called: DEAFNESS, AUTOSOMAL DOMINANT 6; Autosomal dominant nonsyndromic deafness 6; DEAFNESS, AUTOSOMAL DOMINANT 14; DEAFNESS, AUTOSOMAL DOMINANT 38. Identifiers: Orphanet 90635, MedGen C1833021, MONDO:0010963, OMIM 600965.
Type 2 diabetes mellitus. Also called: Type II diabetes mellitus. Identifiers: MedGen C0011860, MeSH D003924, MONDO:0005148, OMIM 125853, HP:0005978.
Wolfram syndrome 1 (WFS1). Identifiers: Orphanet 3463, MedGen C4551693, MONDO:0009101, OMIM 222300.
Wolfram-like syndrome. Also called: HEARING LOSS, PROGRESSIVE, WITH OPTIC ATROPHY AND/OR IMPAIRED GLUCOSE REGULATION. Identifiers: Orphanet 411590, MedGen C3280358, MONDO:0013673, OMIM 614296.
Cataract 41 (CTRCT41). Also called: CATARACT 41, CONGENITAL NUCLEAR TYPE. Identifiers: Orphanet 91492, Orphanet 98991, Orphanet 98992, Orphanet 98995, MedGen C3805412, MONDO:0007287, OMIM 116400.
Inborn genetic diseases. Identifiers: MedGen C0950123, MeSH D030342.

gnomAD v4.1: 5 of 1,609,836 alleles (0.00031%); highest among the groups gnomAD compares: African/African-American, 0.0053%; no homozygotes.

Submissions (4):

Ambry Genetics
Classification: Uncertain significance for Inborn genetic diseases. Last evaluated: 2026-05-27. Review status: criteria provided, single submitter. Criteria: Ambry Variant Classification Scheme 2023. Collection method: clinical testing. Allele origin: germline.

GeneDx
Classification: Uncertain significance. Last evaluated: 2025-05-15. Review status: criteria provided, single submitter. Criteria: GeneDx Variant Classification Process June 2021. Collection method: clinical testing. Allele origin: germline. Affected: yes.
Comment: Not observed at significant frequency in large population cohorts (gnomAD); In silico analysis supports that this missense variant has a deleterious effect on protein structure/function; Has not been previously published as pathogenic or benign to our knowledge

Fulgent Genetics
Classification: Uncertain significance for Cataract 41; Type 2 diabetes mellitus; Wolfram syndrome 1; Autosomal dominant nonsyndromic hearing loss 6; Wolfram-like syndrome. Last evaluated: 2024-04-04. Review status: criteria provided, single submitter. Criteria: ACMG Guidelines, 2015. Collection method: clinical testing. Allele origin: germline.

Blueprint Genetics
Classification: Uncertain significance. Last evaluated: 2020-01-29. Review status: criteria provided, single submitter. Criteria: ACMG Guidelines, 2015. Collection method: clinical testing. Allele origin: germline.

NM_006005.3(WFS1):c.2432A>T (p.Lys811Met)

Gene: WFS1 (wolframin ER transmembrane glycoprotein; plus strand). Cytogenetic location: 4p16.1.
Variant type: single nucleotide variant.
Coding change: c.2432A>T on transcript NM_006005.3 (MANE Select); coding-DNA position 2432, A replaced by T.
Protein change: p.Lys811Met; replaces lysine 811 with methionine.
Molecular consequence: missense variant.
Genome position (GRCh38, 1-based): chr4:6,302,227, A>T. VCF-style: chr4-6302227-A-T. GRCh37 (hg19) VCF-style: chr4-6303954-A-T.
Other names: c.2432A>T, p.Lys811Met (NM_001145853.1); short protein forms K811M.
Identifiers: ClinVar variation 3590744 (VCV003590744.4).